The following is an entry in ClinVar:

NM_002529.4(NTRK1):c.1221G>A (p.Pro407=)

Gene: NTRK1 (neurotrophic receptor tyrosine kinase 1; plus strand). Cytogenetic location: 1q23.1.
Variant type: single nucleotide variant.
Coding change: c.1221G>A on transcript NM_002529.4 (MANE Select); coding-DNA position 1221, G replaced by A.
Protein change: p.Pro407=; no amino-acid change (proline 407 retained).
Molecular consequence: synonymous variant.
Genome position (GRCh38, 1-based): chr1:156,874,596, G>A. VCF-style: chr1-156874596-G-A. GRCh37 (hg19) VCF-style: chr1-156844388-G-A.
Other names: c.1113G>A, p.Pro371= (NM_001007792.1); c.1203G>A, p.Pro401= (NM_001012331.2); c.1221G>A (NM_002529.3).
Identifiers: ClinVar variation 1589171 (VCV001589171.9), dbSNP rs1309444682, ClinGen allele CA421136625.

ClinVar aggregate classification (germline): Likely benign. Review status: criteria provided, multiple submitters, no conflicts (2 of 4 stars). 2 submissions from 2 submitters: Likely benign (2). Last evaluated 2026-04-30.

Conditions:
NTRK1-related disorder. Also called: NTRK1-related condition.
Hereditary insensitivity to pain with anhidrosis (CIPA). Also called: HSAN Type IV; INSENSITIVITY TO PAIN, CONGENITAL, WITH ANHIDROSIS; FAMILIAL DYSAUTONOMIA, TYPE II; NTRK1 Congenital Insensitivity to Pain with Anhidrosis; hereditary sensory and autonomic neuropathy type 4; NEUROPATHY, CONGENITAL SENSORY, WITH ANHIDROSIS. Identifiers: Orphanet 642, MedGen C0020074, MONDO:0009746, OMIM 256800.

Allele frequency attached by ClinVar (database versions not stated): TOPMed below 0.00001; gnomAD 0.00001.
gnomAD v4.1: 12 of 1,614,018 alleles (0.00074%); highest among the groups gnomAD compares: Admixed American, 0.0033%; no homozygotes.

Submissions (2):

PreventionGenetics, part of Exact Sciences
Classification: Likely benign for NTRK1-related condition. Last evaluated: 2026-04-30. Review status: criteria provided, single submitter. Criteria: ACMG Guidelines, 2015. Collection method: clinical testing. Allele origin: germline.
Comment: This variant is classified as likely benign based on ACMG/AMP sequence variant interpretation guidelines (Richards et al. 2015 PMID: 25741868, with internal and published modifications).

Labcorp Genetics (formerly Invitae), Labcorp
Classification: Likely benign for Hereditary insensitivity to pain with anhidrosis. Last evaluated: 2023-07-10. Review status: criteria provided, single submitter. Criteria: Invitae Variant Classification Sherloc (09022015). Collection method: clinical testing. Allele origin: germline.